The following is an entry in ClinVar:

NM_000069.3(CACNA1S):c.3725G>A (p.Arg1242Lys)

Gene: CACNA1S (calcium voltage-gated channel subunit alpha1 S; minus strand). Cytogenetic location: 1q32.1.
Variant type: single nucleotide variant.
Coding change: c.3725G>A on transcript NM_000069.3 (MANE Select); coding-DNA position 3725, G replaced by A.
Protein change: p.Arg1242Lys; replaces arginine 1242 with lysine.
Molecular consequence: missense variant.
Genome position (GRCh38, 1-based): chr1:201,053,529, C>T on the plus strand (G>A on the coding strand, the complement: CACNA1S is on the minus strand). VCF-style: chr1-201053529-C-T. GRCh37 (hg19) VCF-style: chr1-201022657-C-T.
Other names: short protein forms R1242K.
Identifiers: ClinVar variation 851436 (VCV000851436.12), dbSNP rs750637537, ClinGen allele CA082779.

ClinVar aggregate classification (germline): Conflicting classifications of pathogenicity. Review status: criteria provided, conflicting classifications (1 of 4 stars). 3 submissions from 3 submitters: Pathogenic (1); Likely pathogenic (1); Uncertain significance (1). Last evaluated 2025-04-30.

Conditions:
Congenital myopathy 18. Also called: DIHYDROPYRIDINE RECEPTOR CONGENITAL MYOPATHY; DHPR CONGENITAL MYOPATHY; Myopathy, congenital, due to dihydropyridine receptor defect. Identifiers: MedGen C5830283, MONDO:0859514, OMIM 620246.
Hypokalemic periodic paralysis, type 1. Also called: Hypokalemic Periodic Paralysis Type 1 (AD); HypoPP. Identifiers: Orphanet 681, MedGen C3714580, MONDO:0042979, OMIM 170400.
Malignant hyperthermia, susceptibility to, 5 (MHS5). Also called: CACNA1S-Related Malignant Hyperthermia Susceptibility. Identifiers: Orphanet 423, MedGen C1866077, MONDO:0011163, OMIM 601887.

Allele frequency attached by ClinVar (database versions not stated): ExAC 0.00001; gnomAD exomes 0.00001 and below 0.00001; gnomAD 0.00001; TOPMed 0.00001.
gnomAD v4.1: 4 of 1,614,042 alleles (0.00025%); highest among the groups gnomAD compares: South Asian, 0.0022%; no homozygotes.

Submissions (3):

Clinical Genetics Laboratory, University Hospital Schleswig-Holstein
Classification: Likely pathogenic for Congenital myopathy 18. Last evaluated: 2025-04-30. Review status: criteria provided, single submitter. Criteria: ACMG Guidelines, 2015. Collection method: clinical testing. Allele origin: germline. Affected: yes. Observed: 1 heterozygote.
Comment: ACMG criteria applied: PM2, PS4_Supporting, PM6_Supporting, PP3, PM5_Supporting

Color Diagnostics, LLC DBA Color Health
Classification: Uncertain significance for Malignant hyperthermia, susceptibility to, 5. Last evaluated: 2025-04-02. Review status: criteria provided, single submitter. Criteria: ACMG Guidelines, 2015. Collection method: clinical testing. Allele origin: germline.
Comment: This missense variant replaces arginine with lysine at codon 1242 of the CACNA1S protein. Computational prediction suggests that this variant may have deleterious impact on protein structure and function. To our knowledge, functional studies have not been reported for this variant. This variant has not been reported in individuals affected with autosomal dominant malignant hyperthermia in the literature, although it is associated with other phenotypes (ClinVar Variation ID: 851436). This variant has been identified in 1/251294 chromosomes in the general population by the Genome Aggregation Database (gnomAD). The available evidence is insufficient to determine the role of this variant in malignant hyperthermia susceptibility conclusively. Therefore, this variant is classified as a Variant of Uncertain Significance.

Labcorp Genetics (formerly Invitae), Labcorp
Classification: Pathogenic for Hypokalemic periodic paralysis, type 1; Malignant hyperthermia, susceptibility to, 5. Last evaluated: 2022-06-27. Review status: criteria provided, single submitter. Criteria: Invitae Variant Classification Sherloc (09022015). Collection method: clinical testing. Allele origin: germline.
Comment: This sequence change replaces arginine, which is basic and polar, with lysine, which is basic and polar, at codon 1242 of the CACNA1S protein (p.Arg1242Lys). For these reasons, this variant has been classified as Pathogenic. This variant disrupts the p.Arg1242 amino acid residue in CACNA1S. Other variant(s) that disrupt this residue have been determined to be pathogenic (PMID: 24240197, 29048924). This suggests that this residue is clinically significant, and that variants that disrupt this residue are likely to be disease-causing. Algorithms developed to predict the effect of sequence changes on RNA splicing suggest that this variant may create or strengthen a splice site. Advanced modeling of protein sequence and biophysical properties (such as structural, functional, and spatial information, amino acid conservation, physicochemical variation, residue mobility, and thermodynamic stability) performed at Invitae indicates that this missense variant is expected to disrupt CACNA1S protein function. ClinVar contains an entry for this variant (Variation ID: 851436). This missense change has been observed in individual(s) with autosomal dominant myopathy (Invitae). In at least one individual the variant was observed to be de novo. This variant is present in population databases (rs750637537, gnomAD 0.003%).

Literature cited by the submitters: PubMed 24240197 (cited by Labcorp Genetics (formerly Invitae), Labcorp); PubMed 29048924 (cited by Labcorp Genetics (formerly Invitae), Labcorp).